The following is an entry in ClinVar:

ClinVar aggregate classification (germline): Likely benign (1 of 4 stars; one submission).

Conditions:
Houge-Janssens syndrome 1. Also called: Intellectual disability-macrocephaly-hypotonia-behavioral abnormalities syndrome; INTELLECTUAL DEVELOPMENTAL DISORDER, AUTOSOMAL DOMINANT 35; PPP2R5D-Related Neurodevelopmental Disorder; Hogue-Janssens syndrome 1. Identifiers: Orphanet 457279, MedGen C5779996, MONDO:0014602, OMIM 616355.

Submission:

Victorian Clinical Genetics Services, Murdoch Childrens Research Institute
Classification: Likely benign for Houge-Janssens syndrome 1. Last evaluated: 2022-02-02. Review status: criteria provided, single submitter. Criteria: ACMG Guidelines, 2015. Collection method: clinical testing. Allele origin: germline. Inheritance: Autosomal dominant inheritance. Affected: yes.
Comment: Based on the classification scheme VCGS_Germline_v1.3.4, this variant is classified as Likely benign. Following criteria are met: 0104 - Dominant negative is a proposed mechanism of disease in this gene and is associated with PPP2R5D-related intellectual disability (MIM#616355). Missense variants in transfected HEK293 cells have demonstrated an inability to assemble into a holoenzyme complex however, co-expression with wildtype protein was not performed. Loss of function is also a potential mechanism (PMID: 26168268). (I) 0107 - This gene is associated with autosomal dominant disease. (I) 0200 - Variant is predicted to result in a missense amino acid change from arginine to proline. (I) 0251 - This variant is heterozygous. (I) 0301 - Variant is absent from gnomAD (both v2 and v3). (SP) 0309 - An alternative amino acid change at the same position has been observed in gnomAD (v3) (1 heterozygote, 0 homozygotes). (I) 0501 - Missense variant consistently predicted to be damaging by multiple in silico tools or highly conserved with a major amino acid change. (SP) 0603 - Missense variant in a region that is highly intolerant to missense variation (high constraint region in DECIPHER). (SP) 0705 - No comparable missense variants have previous evidence for pathogenicity. (I) 0807 - This variant has no previous evidence of pathogenicity. (I) 0905 - No published segregation evidence has been identified for this variant. (I) 1007 - No published functional evidence has been identified for this variant. (I) Legend: (SP) - Supporting pathogenic, (I) - Information, (SB) - Supporting benign

Literature cited by the submitters: PubMed 26168268.

NM_006245.4(PPP2R5D):c.437G>C (p.Arg146Pro)

Gene: PPP2R5D (protein phosphatase 2 regulatory subunit B'delta; plus strand). Cytogenetic location: 6p21.1.
Variant type: single nucleotide variant.
Coding change: c.437G>C on transcript NM_006245.4 (MANE Select); coding-DNA position 437, G replaced by C.
Protein change: p.Arg146Pro; replaces arginine 146 with proline.
Molecular consequence: missense variant. On other transcripts: 5 prime UTR variant (1).
Genome position (GRCh38, 1-based): chr6:43,007,025, G>C. VCF-style: chr6-43007025-G-C. GRCh37 (hg19) VCF-style: chr6-42974763-G-C.
Other names: c.-17G>C (NM_001270476.2); c.341G>C, p.Arg114Pro (NM_180976.3); c.119G>C, p.Arg40Pro (NM_180977.3); short protein forms R114P, R146P, R40P.
Identifiers: ClinVar variation 1699329 (VCV001699329.3), dbSNP rs2150278481, ClinGen allele CA364183145.